The following is an entry in ClinVar:

NM_000051.4(ATM):c.3410G>A (p.Ser1137Asn)

Gene: ATM (ATM serine/threonine kinase; plus strand). Cytogenetic location: 11q22.3.
Variant type: single nucleotide variant.
Coding change: c.3410G>A on transcript NM_000051.4 (MANE Select); coding-DNA position 3410, G replaced by A.
Protein change: p.Ser1137Asn; replaces serine 1137 with asparagine.
Molecular consequence: missense variant.
Genome position (GRCh38, 1-based): chr11:108,281,002, G>A. VCF-style: chr11-108281002-G-A. GRCh37 (hg19) VCF-style: chr11-108151729-G-A.
Other names: c.3410G>A, p.Ser1137Asn (NM_001351834.2); short protein forms S1137N.
Identifiers: ClinVar variation 232226 (VCV000232226.7), dbSNP rs876659633, ClinGen allele CA10579106.

ClinVar aggregate classification (germline): Uncertain significance. Review status: criteria provided, multiple submitters, no conflicts (2 of 4 stars). 3 submissions from 3 submitters: Uncertain significance (3). Last evaluated 2023-02-16.

Conditions:
Hereditary cancer-predisposing syndrome. Also called: Neoplastic Syndromes, Hereditary; Tumor predisposition; Hereditary Cancer Syndrome; Hereditary neoplastic syndrome. Identifiers: Orphanet 140162, MedGen C0027672, MeSH D009386, MONDO:0015356.

Submissions (3):

Color Diagnostics, LLC DBA Color Health
Classification: Uncertain significance for Hereditary cancer-predisposing syndrome. Last evaluated: 2023-02-16. Review status: criteria provided, single submitter. Criteria: ACMG Guidelines, 2015. Collection method: clinical testing. Allele origin: germline.
Comment: This missense variant replaces serine with asparagine at codon 1137 of the ATM protein. Computational prediction suggests that this variant may not impact protein structure and function (internally defined REVEL score threshold <= 0.5, PMID: 27666373). To our knowledge, functional studies have not been reported for this variant. This variant has not been reported in individuals affected with hereditary cancer in the literature. This variant has not been identified in the general population by the Genome Aggregation Database (gnomAD). The available evidence is insufficient to determine the role of this variant in disease conclusively. Therefore, this variant is classified as a Variant of Uncertain Significance.

GeneKor MSA
Classification: Uncertain significance for Hereditary cancer-predisposing syndrome. Last evaluated: 2018-08-01. Review status: criteria provided, single submitter. Criteria: ACMG Guidelines, 2015. Collection method: clinical testing. Allele origin: germline. Affected: yes.

Ambry Genetics
Classification: Uncertain significance for Hereditary cancer-predisposing syndrome. Last evaluated: 2015-06-11. Review status: criteria provided, single submitter. Criteria: Ambry Variant Classification Scheme 2023. Collection method: clinical testing. Allele origin: germline.
Comment: The p.S1137N variant (also known as c.3410G>A), located in coding exon 23 of the ATM gene, results from a G to A substitution at nucleotide position 3410. The serine at codon 1137 is replaced by asparagine, an amino acid with highly similar properties. This variant was not reported in population based cohorts in the following databases: Database of Single Nucleotide Polymorphisms (dbSNP), NHLBI Exome Sequencing Project (ESP), and 1000 Genomes Project. In the ESP, this variant was not observed in 6499 samples (12998 alleles) with coverage at this position. To date, this alteration has been detected with an allele frequency of approximately 0.002% (greater than 66000 alleles tested) in our clinical cohort. This amino acid position is poorly conserved in available vertebrate species. In addition, this alteration is predicted to be tolerated by in silico analysis. Since supporting evidence is limited at this time, the clinical significance of p.S1137N remains unclear.